The following is an entry in ClinVar:

NM_006231.4(POLE):c.4186A>C (p.Asn1396His)

Gene: POLE (DNA polymerase epsilon, catalytic subunit; minus strand). Cytogenetic location: 12q24.33.
Variant type: single nucleotide variant.
Coding change: c.4186A>C on transcript NM_006231.4 (MANE Select); coding-DNA position 4186, A replaced by C.
Protein change: p.Asn1396His; replaces asparagine 1396 with histidine.
Molecular consequence: missense variant.
Genome position (GRCh38, 1-based): chr12:132,643,941, T>G on the plus strand (A>C on the coding strand, the complement: POLE is on the minus strand). VCF-style: chr12-132643941-T-G. GRCh37 (hg19) VCF-style: chr12-133220527-T-G.
Other names: c.4186A>C (NM_006231.2); short protein forms N1396H.
Identifiers: ClinVar variation 2105358 (VCV002105358.5), dbSNP rs755483803, ClinGen allele CA387382378.

ClinVar aggregate classification (germline): Uncertain significance. Review status: criteria provided, multiple submitters, no conflicts (2 of 4 stars). 2 submissions from 2 submitters: Uncertain significance (2). Last evaluated 2024-01-14.

Conditions:
Hereditary cancer-predisposing syndrome. Also called: Hereditary Cancer Syndrome; Tumor predisposition; Neoplastic Syndromes, Hereditary; Hereditary neoplastic syndrome. Identifiers: Orphanet 140162, MedGen C0027672, MeSH D009386, MONDO:0015356.

Submissions (2):

Ambry Genetics
Classification: Uncertain significance for Hereditary cancer-predisposing syndrome. Last evaluated: 2024-01-14. Review status: criteria provided, single submitter. Criteria: Ambry Variant Classification Scheme 2023. Collection method: clinical testing. Allele origin: germline.
Comment: The p.N1396H variant (also known as c.4186A>C), located in coding exon 33 of the POLE gene, results from an A to C substitution at nucleotide position 4186. The asparagine at codon 1396 is replaced by histidine, an amino acid with similar properties. This amino acid position is conserved. In addition, this alteration is predicted to be tolerated by in silico analysis. Since supporting evidence is limited at this time, the clinical significance of this alteration remains unclear.

Labcorp Genetics (formerly Invitae), Labcorp
Classification: Uncertain significance. Last evaluated: 2022-03-01. Review status: criteria provided, single submitter. Criteria: Invitae Variant Classification Sherloc (09022015). Collection method: clinical testing. Allele origin: germline.
Comment: In summary, the available evidence is currently insufficient to determine the role of this variant in disease. Therefore, it has been classified as a Variant of Uncertain Significance. Algorithms developed to predict the effect of missense changes on protein structure and function output the following: SIFT: "Tolerated"; PolyPhen-2: "Benign"; Align-GVGD: "Class C0". The histidine amino acid residue is found in multiple mammalian species, which suggests that this missense change does not adversely affect protein function. This variant has not been reported in the literature in individuals affected with POLE-related conditions. This variant is not present in population databases (gnomAD no frequency). This sequence change replaces asparagine, which is neutral and polar, with histidine, which is basic and polar, at codon 1396 of the POLE protein (p.Asn1396His).